The following is an entry in ClinVar:

ClinVar aggregate classification (germline): Uncertain significance. Review status: criteria provided, multiple submitters, no conflicts (2 of 4 stars). 2 submissions from 2 submitters: Uncertain significance (2). Last evaluated 2024-02-05.

Conditions:
Hereditary cancer-predisposing syndrome. Also called: Hereditary neoplastic syndrome; Tumor predisposition; Neoplastic Syndromes, Hereditary; Hereditary Cancer Syndrome. Identifiers: Orphanet 140162, MedGen C0027672, MeSH D009386, MONDO:0015356.

Allele frequency attached by ClinVar (database versions not stated): gnomAD 0.00001.
gnomAD v4.1: 1 of 1,614,036 alleles (0.000062%); highest among the groups gnomAD compares: Non-Finnish European, 0.000085%; no homozygotes.

Submissions (2):

Ambry Genetics
Classification: Uncertain significance for Hereditary cancer-predisposing syndrome. Last evaluated: 2024-02-05. Review status: criteria provided, single submitter. Criteria: Ambry Variant Classification Scheme 2023. Collection method: clinical testing. Allele origin: germline.
Comment: The p.I1163L variant (also known as c.3487A>C), located in coding exon 23 of the RAD50 gene, results from an A to C substitution at nucleotide position 3487. The isoleucine at codon 1163 is replaced by leucine, an amino acid with highly similar properties. This amino acid position is conserved. In addition, the in silico prediction for this alteration is inconclusive. Based on the available evidence, the clinical significance of this alteration remains unclear.

Labcorp Genetics (formerly Invitae), Labcorp
Classification: Uncertain significance for Hereditary cancer-predisposing syndrome. Last evaluated: 2023-05-11. Review status: criteria provided, single submitter. Criteria: Invitae Variant Classification Sherloc (09022015). Collection method: clinical testing. Allele origin: germline.
Comment: In summary, the available evidence is currently insufficient to determine the role of this variant in disease. Therefore, it has been classified as a Variant of Uncertain Significance. Advanced modeling of protein sequence and biophysical properties (such as structural, functional, and spatial information, amino acid conservation, physicochemical variation, residue mobility, and thermodynamic stability) has been performed at Invitae for this missense variant, however the output from this modeling did not meet the statistical confidence thresholds required to predict the impact of this variant on RAD50 protein function. This variant has not been reported in the literature in individuals affected with RAD50-related conditions. This variant is not present in population databases (gnomAD no frequency). This sequence change replaces isoleucine, which is neutral and non-polar, with leucine, which is neutral and non-polar, at codon 1163 of the RAD50 protein (p.Ile1163Leu).

NM_005732.4(RAD50):c.3487A>C (p.Ile1163Leu)

Genes: TH2LCRR (T helper type 2 locus control region associated RNA; minus strand), TH2-LCR (Th2 cytokine locus control region; plus strand), RAD50 (RAD50 double strand break repair protein; plus strand). Cytogenetic location: 5q31.1.
Variant type: single nucleotide variant.
Coding change: c.3487A>C on transcript NM_005732.4 (MANE Select); coding-DNA position 3487, A replaced by C.
Protein change: p.Ile1163Leu; replaces isoleucine 1163 with leucine.
Molecular consequence: missense variant. On other transcripts: non-coding transcript variant (2).
Genome position (GRCh38, 1-based): chr5:132,638,092, A>C. VCF-style: chr5-132638092-A-C. GRCh37 (hg19) VCF-style: chr5-131973784-A-C.
Other names: c.3487A>C (NM_005732.3); short protein forms I1163L.
Identifiers: ClinVar variation 2863033 (VCV002863033.4), dbSNP rs1294482423, ClinGen allele CA360931087.